The following is an entry in ClinVar:

ClinVar aggregate classification (germline): Uncertain significance. Review status: criteria provided, multiple submitters, no conflicts (2 of 4 stars). 5 submissions from 5 submitters: Uncertain significance (5). Last evaluated 2024-10-14.

Conditions:
Autosomal recessive spinocerebellar ataxia 13. Identifiers: Orphanet 324262, MedGen C3553816, MONDO:0013905, OMIM 614831.

Allele frequency attached by ClinVar (database versions not stated): 1000 Genomes Project 30x 0.00047; gnomAD 0.00022 and 0.00024; 1000 Genomes Project 0.00060; ExAC 0.00015; TOPMed 0.00020; ESP Exome Variant Server 0.00008.
gnomAD v4.1: 237 of 1,613,988 alleles (0.015%); highest among the groups gnomAD compares: Middle Eastern, 0.2%; no homozygotes.

Submissions (5):

Labcorp Genetics (formerly Invitae), Labcorp
Classification: Uncertain significance. Last evaluated: 2024-10-14. Review status: criteria provided, single submitter. Criteria: Invitae Variant Classification Sherloc (09022015). Collection method: clinical testing. Allele origin: germline.
Comment: This sequence change replaces arginine, which is basic and polar, with lysine, which is basic and polar, at codon 358 of the GRM1 protein (p.Arg358Lys). This variant is present in population databases (rs112817798, gnomAD 0.05%). This variant has not been reported in the literature in individuals affected with GRM1-related conditions. ClinVar contains an entry for this variant (Variation ID: 994892). An algorithm developed to predict the effect of missense changes on protein structure and function (PolyPhen-2) suggests that this variant¬†is likely to be tolerated. In summary, the available evidence is currently insufficient to determine the role of this variant in disease. Therefore, it has been classified as a Variant of Uncertain Significance.

Dasa
Classification: Uncertain significance. Last evaluated: 2024-10-02. Review status: criteria provided, single submitter. Criteria: DASA Assertion Criteria. Collection method: clinical testing. Allele origin: germline.
Comment: NM_001278064.2(GRM1):c.1073G>A (p.Arg358Lys) is a missense variant that results in the substitution of arginine with lysine. This variant is rare in population databases. Computational prediction algorithms are consistent with a benign effect. The currently available literature and clinical evidence are not sufficient to establish a definitive association between this variant and the reported condition. Therefore, this variant is classified as a variant of uncertain significance.

Athena Diagnostics
Classification: Uncertain significance. Last evaluated: 2023-01-10. Review status: criteria provided, single submitter. Criteria: Athena Diagnostics Criteria. Collection method: clinical testing. Allele origin: unknown.
Comment: Available data are insufficient to determine the clinical significance of the variant at this time. The frequency of this variant in the general population is higher than would generally be expected for pathogenic variants in this gene. Computational tools predict that this variant is not damaging.

Baylor Genetics
Classification: Uncertain significance for Autosomal recessive spinocerebellar ataxia 13. Last evaluated: 2020-02-08. Review status: criteria provided, single submitter. Criteria: ACMG Guidelines, 2015. Collection method: clinical testing. Allele origin: unknown. Affected: yes.
Comment: This variant was determined to be of uncertain significance according to ACMG Guidelines, 2015 [PMID:25741868].

Breakthrough Genomics
Classification: Uncertain significance. Review status: criteria provided, single submitter. Criteria: ACMG Guidelines, 2015. Collection method: not provided. Allele origin: germline. Inheritance: Autosomal recessive inheritance. Affected: yes.

NM_001278064.2(GRM1):c.1073G>A (p.Arg358Lys)

Gene: GRM1 (glutamate metabotropic receptor 1; plus strand). Cytogenetic location: 6q24.3.
Variant type: single nucleotide variant.
Coding change: c.1073G>A on transcript NM_001278064.2 (MANE Select); coding-DNA position 1073, G replaced by A.
Protein change: p.Arg358Lys; replaces arginine 358 with lysine.
Molecular consequence: missense variant.
Genome position (GRCh38, 1-based): chr6:146,304,733, G>A. VCF-style: chr6-146304733-G-A. GRCh37 (hg19) VCF-style: chr6-146625869-G-A.
Other names: c.1073G>A, p.Arg358Lys (NM_001278065.2, NM_001278066.1, NM_001278067.1); short protein forms R358K.
Identifiers: ClinVar variation 994892 (VCV000994892.9), dbSNP rs112817798, ClinGen allele CA4037212.
Genomic context (GRCh38, chr6:146,304,733, plus strand): 5'-TCACGATAAAGCTGCAGTCTCCAGAGGTCAGGTCATTTGATGATTATTTCCTGAAACTGA[G>A]GCTGGACACTAACACGAGGAATCCCTGGTTCCCTGAGTTCTGGCAACATCGGTTCCAGTG-3'
Protein context (NP_001264993.1, residues 348-368): RSFDDYFLKL[Arg358Lys]LDTNTRNPWF